The following is an entry in ClinVar:

NM_173598.6(KSR2):c.1394-3C>T

Gene: KSR2 (kinase suppressor of ras 2; minus strand). Cytogenetic location: 12q24.22.
Variant type: single nucleotide variant.
Coding change: c.1394-3C>T on transcript NM_173598.6 (MANE Select); 3 bases into the intron before coding-DNA position 1394, C replaced by T.
Molecular consequence: intron variant.
Genome position (GRCh38, 1-based): chr12:117,555,296, G>A on the plus strand (C>T on the coding strand, the complement: KSR2 is on the minus strand). VCF-style: chr12-117555296-G-A. GRCh37 (hg19) VCF-style: chr12-117993101-G-A.
Identifiers: ClinVar variation 3045437 (VCV003045437.2), dbSNP rs186598133, ClinGen allele CA6816022.

ClinVar aggregate classification (germline): Likely benign (0 of 4 stars; one submission).

Conditions:
KSR2-related disorder. Also called: KSR2-related condition.

Allele frequency attached by ClinVar (database versions not stated): gnomAD exomes 0.00002; ExAC 0.00003; gnomAD 0.00004; TOPMed 0.00004.
gnomAD v4.1: 31 of 1,613,650 alleles (0.0019%); highest among the groups gnomAD compares: Admixed American, 0.013%; no homozygotes.

Submission:

PreventionGenetics, part of Exact Sciences
Classification: Likely benign for KSR2-related condition. Last evaluated: 2020-10-06. Review status: no assertion criteria provided. Collection method: clinical testing. Allele origin: germline.
Comment: This variant is classified as likely benign based on ACMG/AMP sequence variant interpretation guidelines (Richards et al. 2015 PMID: 25741868, with internal and published modifications).